The following is an entry in ClinVar:

ClinVar aggregate classification (germline): Likely benign. Review status: criteria provided, multiple submitters, no conflicts (2 of 4 stars). 2 submissions from 2 submitters: Likely benign (2). Last evaluated 2024-11-26.

Allele frequency attached by ClinVar (database versions not stated): gnomAD exomes 0.00047; ExAC 0.00103; ESP Exome Variant Server 0.00131; gnomAD 0.00159; 1000 Genomes Project 0.00200; TOPMed 0.00209; 1000 Genomes Project 30x 0.00219.
gnomAD v4.1: 988 of 1,613,836 alleles (0.061%); highest among the groups gnomAD compares: Admixed American, 0.43%; 1 homozygote.

Submissions (2):

Blueprint Genetics
Classification: Likely benign. Last evaluated: 2024-11-26. Review status: criteria provided, single submitter. Criteria: ACMG Guidelines, 2015. Collection method: clinical testing. Allele origin: germline.

CeGaT Center for Human Genetics Tuebingen
Classification: Likely benign. Last evaluated: 2023-04-01. Review status: criteria provided, single submitter. Criteria: CeGaT Center For Human Genetics Tuebingen Variant Classification Criteria Version 2. Collection method: clinical testing. Allele origin: germline. Affected: yes. Observed: 1 variant allele.
Comment: FLG: BP4

NM_002016.2(FLG):c.3832A>G (p.Arg1278Gly)

Genes: CCDST (cervical cancer associated DHX9 suppressive transcript; plus strand), FLG (filaggrin; minus strand). Cytogenetic location: 1q21.3.
Variant type: single nucleotide variant.
Coding change: c.3832A>G on transcript NM_002016.2 (MANE Select); coding-DNA position 3832, A replaced by G.
Protein change: p.Arg1278Gly; replaces arginine 1278 with glycine.
Molecular consequence: missense variant.
Genome position (GRCh38, 1-based): chr1:152,311,054, T>C on the plus strand (A>G on the coding strand, the complement: FLG is on the minus strand). VCF-style: chr1-152311054-T-C. GRCh37 (hg19) VCF-style: chr1-152283530-T-C.
Other names: short protein forms R1278G.
Identifiers: ClinVar variation 2639292 (VCV002639292.25), dbSNP rs111626670, ClinGen allele CA1106494.